The following is an entry in ClinVar:

NM_005629.4(SLC6A8):c.1246G>A (p.Asp416Asn)

Gene: SLC6A8 (solute carrier family 6 member 8; plus strand). Cytogenetic location: Xq28.
Variant type: single nucleotide variant.
Coding change: c.1246G>A on transcript NM_005629.4 (MANE Select); coding-DNA position 1246, G replaced by A.
Protein change: p.Asp416Asn; replaces aspartic acid 416 with asparagine.
Molecular consequence: missense variant.
Genome position (GRCh38, 1-based): chrX:153,694,009, G>A. VCF-style: chrX-153694009-G-A. GRCh37 (hg19) VCF-style: chrX-152959464-G-A.
Other names: c.1216G>A, p.Asp406Asn (NM_001142805.2); c.901G>A, p.Asp301Asn (NM_001142806.1); c.1246G>A (NM_005629.3); short protein forms D406N, D416N, D301N.
Identifiers: ClinVar variation 2816487 (VCV002816487.6), dbSNP rs2522165536, ClinGen allele CA415086622.

ClinVar aggregate classification (germline): Uncertain significance. Review status: criteria provided, multiple submitters, no conflicts (2 of 4 stars). 3 submissions from 3 submitters: Uncertain significance (3). Last evaluated 2024-04-02.

Conditions:
Creatine transporter deficiency (CCDS1). Also called: Creatine Transporter (CRTR) Deficiency; Mental retardation , X-linked with seizures, short stature and midface hypoplasia; Mental retardation , X-linked, with creatine transport deficiency; X-linked creatine transporter deficiency; X-linked creatine deficiency syndrome; SLC6A8-Related Creatine Transporter Deficiency. Identifiers: Orphanet 52503, MedGen C1845862, MONDO:0010305, OMIM 300352.

Allele frequency attached by ClinVar (database versions not stated): gnomAD exomes below 0.00001.
gnomAD v4.1: 1 of 1,180,614 alleles (0.000085%); highest among the groups gnomAD compares: Non-Finnish European, 0.00011%; no homozygotes.

Submissions (3):

GeneDx
Classification: Uncertain significance. Last evaluated: 2024-04-02. Review status: criteria provided, single submitter. Criteria: GeneDx Variant Classification Process June 2021. Collection method: clinical testing. Allele origin: germline. Affected: yes.
Comment: Not observed at significant frequency in large population cohorts (gnomAD); In silico analysis supports that this missense variant has a deleterious effect on protein structure/function; Has not been previously published as pathogenic or benign to our knowledge

Labcorp Genetics (formerly Invitae), Labcorp
Classification: Uncertain significance for Creatine transporter deficiency. Last evaluated: 2024-03-16. Review status: criteria provided, single submitter. Criteria: Invitae Variant Classification Sherloc (09022015). Collection method: clinical testing. Allele origin: germline.
Comment: This sequence change replaces aspartic acid, which is acidic and polar, with asparagine, which is neutral and polar, at codon 416 of the SLC6A8 protein (p.Asp416Asn). This variant is not present in population databases (gnomAD no frequency). This variant has not been reported in the literature in individuals affected with SLC6A8-related conditions. Advanced modeling of protein sequence and biophysical properties (such as structural, functional, and spatial information, amino acid conservation, physicochemical variation, residue mobility, and thermodynamic stability) has been performed at Invitae for this missense variant, however the output from this modeling did not meet the statistical confidence thresholds required to predict the impact of this variant on SLC6A8 protein function. In summary, the available evidence is currently insufficient to determine the role of this variant in disease. Therefore, it has been classified as a Variant of Uncertain Significance.

Suma Genomics
Classification: Uncertain significance for Creatine transporter deficiency. Review status: criteria provided, single submitter. Criteria: ACMG Guidelines, 2015. Collection method: clinical testing. Allele origin: de novo. Inheritance: X-linked inheritance. Affected: yes. Observed: 1 hemizygote.
Comment: A missense variant c.1246G>A, p.(Asp416Asn) is observed in exon 8 of SLC6A8 in hemizygous state. This variant is observed in one individual (female) in the gnomAD database in heterozygous state. In-silico analysis tool REVEL) is consistent in predicting this variant to be disease-causing. This variant was reported in the ClinVar database earlier as a variant of uncertain significance (ClinVar id. 2816487). ACMG criteria: PM2_Supporting, PM6 and PP3